The following is an entry in ClinVar:

NM_000273.3(GPR143):c.346T>C (p.Cys116Arg)

Gene: GPR143 (G protein-coupled receptor 143; minus strand). Cytogenetic location: Xp22.2.
Variant type: single nucleotide variant.
Coding change: c.346T>C on transcript NM_000273.3 (MANE Select); coding-DNA position 346, T replaced by C.
Protein change: p.Cys116Arg; replaces cysteine 116 with arginine.
Molecular consequence: missense variant.
Genome position (GRCh38, 1-based): chrX:9,760,731, A>G on the plus strand (T>C on the coding strand, the complement: GPR143 is on the minus strand). VCF-style: chrX-9760731-A-G. GRCh37 (hg19) VCF-style: chrX-9728771-A-G.
Other names: short protein forms C116R.
Identifiers: ClinVar variation 98626 (VCV000098626.6), dbSNP rs62635030, ClinGen allele CA226173.

ClinVar aggregate classification (germline): Pathogenic. Review status: criteria provided, single submitter (1 of 4 stars). 2 submissions from 2 submitters: Pathogenic (1). 1 of the submissions does not count toward it. Last evaluated 2025-08-21.

Submissions (2):

Labcorp Genetics (formerly Invitae), Labcorp
Classification: Pathogenic. Last evaluated: 2025-08-21. Review status: criteria provided, single submitter. Criteria: Invitae Variant Classification Sherloc (09022015). Collection method: clinical testing. Allele origin: germline.
Comment: This sequence change replaces cysteine, which is neutral and slightly polar, with arginine, which is basic and polar, at codon 116 of the GPR143 protein (p.Cys116Arg). This variant is not present in population databases (gnomAD no frequency). This missense change has been observed in individuals with clinical features of GPR143-related conditions (PMID: 9529334, 38222445). ClinVar contains an entry for this variant (Variation ID: 98626). Invitae Evidence Modeling of protein sequence and biophysical properties (such as structural, functional, and spatial information, amino acid conservation, physicochemical variation, residue mobility, and thermodynamic stability) indicates that this missense variant is expected to disrupt GPR143 protein function with a positive predictive value of 95%. This variant disrupts the p.Cys116 amino acid residue in GPR143. Other variant(s) that disrupt this residue have been determined to be pathogenic (PMID: 17960122; internal data). This suggests that this residue is clinically significant, and that variants that disrupt this residue are likely to be disease-causing. For these reasons, this variant has been classified as Pathogenic.

Retina International
No classification provided. Review status: no classification provided. Collection method: not provided. Allele origin: not provided. Not counted in ClinVar's aggregate classification.

Literature cited by the submitters: PubMed 9529334 (cited by Labcorp Genetics (formerly Invitae), Labcorp); PubMed 38222445 (cited by Labcorp Genetics (formerly Invitae), Labcorp); PubMed 17960122 (cited by Labcorp Genetics (formerly Invitae), Labcorp).